The following is an entry in ClinVar:

NM_004341.5(CAD):c.6013G>A (p.Glu2005Lys)

Gene: CAD (carbamoyl-phosphate synthetase 2, aspartate transcarbamylase, and dihydroorotase; plus strand). Cytogenetic location: 2p23.3.
Variant type: single nucleotide variant.
Coding change: c.6013G>A on transcript NM_004341.5 (MANE Select); coding-DNA position 6013, G replaced by A.
Protein change: p.Glu2005Lys; replaces glutamic acid 2005 with lysine.
Molecular consequence: missense variant.
Genome position (GRCh38, 1-based): chr2:27,242,040, G>A. VCF-style: chr2-27242040-G-A. GRCh37 (hg19) VCF-style: chr2-27464908-G-A.
Other names: c.6013G>A (NM_004341.3); c.5824G>A, p.Glu1942Lys (NM_001306079.2); short protein forms E2005K, E1942K.
Identifiers: ClinVar variation 2182931 (VCV002182931.4), dbSNP rs755586546, ClinGen allele CA1574085.

ClinVar aggregate classification (germline): Uncertain significance. Review status: criteria provided, multiple submitters, no conflicts (2 of 4 stars). 2 submissions from 2 submitters: Uncertain significance (2). Last evaluated 2025-08-03.

Conditions:
Inborn genetic diseases. Identifiers: MedGen C0950123, MeSH D030342.

Allele frequency attached by ClinVar (database versions not stated): gnomAD 0.00002; TOPMed 0.00002; ExAC 0.00003; gnomAD exomes 0.00003.
gnomAD v4.1: 44 of 1,613,240 alleles (0.0027%); highest among the groups gnomAD compares: South Asian, 0.0066%; no homozygotes.

Submissions (2):

Ambry Genetics
Classification: Uncertain significance for Inborn genetic diseases. Last evaluated: 2025-08-03. Review status: criteria provided, single submitter. Criteria: Ambry Variant Classification Scheme 2023. Collection method: clinical testing. Allele origin: germline.

Labcorp Genetics (formerly Invitae), Labcorp
Classification: Uncertain significance. Last evaluated: 2022-03-18. Review status: criteria provided, single submitter. Criteria: Invitae Variant Classification Sherloc (09022015). Collection method: clinical testing. Allele origin: germline.
Comment: This sequence change replaces glutamic acid, which is acidic and polar, with lysine, which is basic and polar, at codon 2005 of the CAD protein (p.Glu2005Lys). This variant is present in population databases (rs755586546, gnomAD 0.007%). This variant has not been reported in the literature in individuals affected with CAD-related conditions. Algorithms developed to predict the effect of missense changes on protein structure and function (SIFT, PolyPhen-2, Align-GVGD) all suggest that this variant is likely to be disruptive. In summary, the available evidence is currently insufficient to determine the role of this variant in disease. Therefore, it has been classified as a Variant of Uncertain Significance.